The following is an entry in ClinVar:

ClinVar aggregate classification (germline): Likely benign (1 of 4 stars; one submission).

Allele frequency attached by ClinVar (database versions not stated): gnomAD 0.00001; gnomAD exomes 0.00001 and 0.00002; TOPMed 0.00001.
gnomAD v4.1: 21 of 1,496,708 alleles (0.0014%); highest among the groups gnomAD compares: Non-Finnish European, 0.0016%; no homozygotes.

Submission:

GeneDx
Classification: Likely benign. Last evaluated: 2017-11-24. Review status: criteria provided, single submitter. Criteria: GeneDx Variant Classification (06012015). Collection method: clinical testing. Allele origin: germline. Affected: yes.
Comment: This variant is considered likely benign or benign based on one or more of the following criteria: it is a conservative change, it occurs at a poorly conserved position in the protein, it is predicted to be benign by multiple in silico algorithms, and/or has population frequency not consistent with disease.

NM_001042545.2(LTBP4):c.3218-8C>T

Gene: LTBP4 (latent transforming growth factor beta binding protein 4; plus strand). Cytogenetic location: 19q13.2.
Variant type: single nucleotide variant.
Coding change: c.3218-8C>T on transcript NM_001042545.2 (MANE Select); 8 bases into the intron before coding-DNA position 3218, C replaced by T.
Molecular consequence: intron variant.
Genome position (GRCh38, 1-based): chr19:40,622,393, C>T. VCF-style: chr19-40622393-C-T. GRCh37 (hg19) VCF-style: chr19-41128298-C-T.
Other names: c.3308-8C>T (NM_003573.2); c.3419-8C>T (NM_001042544.1).
Identifiers: ClinVar variation 513533 (VCV000513533.1), dbSNP rs1255065335, ClinGen allele CA633467426.